The following is an entry in ClinVar:

ClinVar aggregate classification (germline): Likely pathogenic (1 of 4 stars; one submission).

Conditions:
DDX41-related hematologic malignancy predisposition syndrome. Also called: Myeloproliferative/lymphoproliferative neoplasms, familial (multiple types), susceptibility to; DDX41-Associated Familial Myelodysplastic Syndrome and Acute Myeloid Leukemia. Identifiers: Orphanet 488647, MedGen C4225174, MONDO:0014809, OMIM 616871.

Submission:

Juno Genomics, Hangzhou Juno Genomics, Inc
Classification: Likely pathogenic for DDX41-related hematologic malignancy predisposition syndrome. Review status: criteria provided, single submitter. Criteria: ACMG Guidelines, 2015. Collection method: clinical testing. Allele origin: germline.
Comment: Null variant in a gene where loss of function (LOF) is a known mechanism of disease.;Absent from controls (or at extremely low frequency if recessive) in Genome Aggregation Database.

NM_016222.4(DDX41):c.928_931del (p.Ile310fs)

Gene: DDX41 (DEAD-box helicase 41; minus strand). Cytogenetic location: 5q35.3.
Variant type: Deletion.
Coding change: c.928_931del on transcript NM_016222.4 (MANE Select); coding-DNA positions 928 to 931, 4 bases deleted (ATCC; older notation c.928_931delATCC).
Protein change: p.Ile310fs; shifts the reading frame from isoleucine 310.
Molecular consequence: frameshift variant.
Genome position (GRCh38, 1-based): chr5:177,514,705-177,514,708, GGAT deleted on the plus strand (ATCC on the coding strand, the reverse complement: DDX41 is on the minus strand); deleting any 4 consecutive bases within chr5:177,514,705-177,514,710 gives the same sequence; the c. name uses the placement nearest the transcript's 3' end. VCF-style (leftmost placement, unchanged base first): chr5-177514704-CGGAT-C. GRCh37 (hg19) VCF-style: chr5-176941705-CGGAT-C.
Other names: c.550_553del, p.Ile184fs (NM_001321732.2, NM_001321830.2); short protein forms I184fs, I310fs.
Identifiers: ClinVar variation 5006875 (VCV005006875.2).